The following is an entry in ClinVar:

ClinVar aggregate classification (germline): Uncertain significance (1 of 4 stars; one submission).

Conditions:
Glycogen storage disease type X (GSD10). Also called: GSD X; MYOPATHY DUE TO PHOSPHOGLYCERATE MUTASE DEFICIENCY; PGAMM DEFICIENCY; PHOSPHOGLYCERATE MUTASE, MUSCLE, DEFICIENCY OF; Dimauro disease; Glycogen storage disease due to phosphoglycerate mutase deficiency. Identifiers: Orphanet 97234, MedGen C0268149, MONDO:0009865, OMIM 261670.

Allele frequency attached by ClinVar (database versions not stated): ExAC 0.00001.
gnomAD v4.1: 15 of 1,613,634 alleles (0.00093%); highest among the groups gnomAD compares: East Asian, 0.011%; no homozygotes.

Submission:

Labcorp Genetics (formerly Invitae), Labcorp
Classification: Uncertain significance for Glycogen storage disease type X. Last evaluated: 2022-03-15. Review status: criteria provided, single submitter. Criteria: Invitae Variant Classification Sherloc (09022015). Collection method: clinical testing. Allele origin: germline.
Comment: This sequence change replaces arginine, which is basic and polar, with cysteine, which is neutral and slightly polar, at codon 65 of the PGAM2 protein (p.Arg65Cys). The frequency data for this variant in the population databases is considered unreliable, as metrics indicate poor data quality at this position in the gnomAD database. This variant has not been reported in the literature in individuals affected with PGAM2-related conditions. Algorithms developed to predict the effect of missense changes on protein structure and function (SIFT, PolyPhen-2, Align-GVGD) all suggest that this variant is likely to be disruptive. In summary, the available evidence is currently insufficient to determine the role of this variant in disease. Therefore, it has been classified as a Variant of Uncertain Significance.

NM_000290.4(PGAM2):c.193C>T (p.Arg65Cys)

Genes: PGAM2 (phosphoglycerate mutase 2; minus strand), DBNL (drebrin like; plus strand). Cytogenetic location: 7p13.
Variant type: single nucleotide variant.
Coding change: c.193C>T on transcript NM_000290.4 (MANE Select); coding-DNA position 193, C replaced by T.
Protein change: p.Arg65Cys; replaces arginine 65 with cysteine.
Molecular consequence: missense variant. On other transcripts: 3 prime UTR variant (6).
Genome position (GRCh38, 1-based): chr7:44,065,337, G>A on the plus strand (C>T on the coding strand, the complement: PGAM2 is on the minus strand). VCF-style: chr7-44065337-G-A. GRCh37 (hg19) VCF-style: chr7-44104936-G-A.
Other names: c.*4421G>A (NM_001014436.3, NM_001122956.2, NM_001284313.2 and 3 more transcripts); short protein forms R65C.
Identifiers: ClinVar variation 2160629 (VCV002160629.1), dbSNP rs765366480, ClinGen allele CA4236658.